The following is an entry in ClinVar:

NM_001481.3(DRC4):c.1210C>T (p.Arg404Cys)

Gene: DRC4 (dynein regulatory complex subunit 4; plus strand). Cytogenetic location: 16q24.3.
Variant type: single nucleotide variant.
Coding change: c.1210C>T on transcript NM_001481.3 (MANE Select); coding-DNA position 1210, C replaced by T.
Protein change: p.Arg404Cys; replaces arginine 404 with cysteine.
Molecular consequence: missense variant.
Genome position (GRCh38, 1-based): chr16:90,040,498, C>T. VCF-style: chr16-90040498-C-T. GRCh37 (hg19) VCF-style: chr16-90106906-C-T.
Other names: c.961C>T, p.Arg321Cys (NM_001286205.2); c.634C>T, p.Arg212Cys (NM_001286208.2); c.1135C>T, p.Arg379Cys (NM_001286209.2); short protein forms R404C, R379C, R212C, R321C.
Identifiers: ClinVar variation 475558 (VCV000475558.13), dbSNP rs143772256, ClinGen allele CA8258132.

ClinVar aggregate classification (germline): Conflicting classifications of pathogenicity. Review status: criteria provided, conflicting classifications (1 of 4 stars). 3 submissions from 3 submitters: Uncertain significance (1); Likely benign (2). Last evaluated 2025-12-15.

Conditions:
DRC4-related condition.
Primary ciliary dyskinesia 33. Also called: CILIARY DYSKINESIA, PRIMARY, 33, WITHOUT SITUS INVERSUS. Identifiers: Orphanet 244, MedGen C4225230, MONDO:0014750, OMIM 616726.

Allele frequency attached by ClinVar (database versions not stated): 1000 Genomes Project 0.00100; 1000 Genomes Project 30x 0.00125; ESP Exome Variant Server 0.00031; gnomAD 0.00062 and 0.00066; TOPMed 0.00079.
gnomAD v4.1: 215 of 1,600,904 alleles (0.013%); highest among the groups gnomAD compares: African/African-American, 0.2%; 1 homozygote.

Submissions (3):

PreventionGenetics, part of Exact Sciences
Classification: Likely benign for DRC4-related condition. Last evaluated: 2025-12-15. Review status: criteria provided, single submitter. Criteria: ACMG Guidelines, 2015. Collection method: clinical testing. Allele origin: germline.
Comment: This variant is classified as likely benign based on ACMG/AMP sequence variant interpretation guidelines (Richards et al. 2015 PMID: 25741868, with internal and published modifications).

Labcorp Genetics (formerly Invitae), Labcorp
Classification: Likely benign for Primary ciliary dyskinesia 33. Last evaluated: 2025-07-27. Review status: criteria provided, single submitter. Criteria: Invitae Variant Classification Sherloc (09022015). Collection method: clinical testing. Allele origin: germline.

Blueprint Genetics
Classification: Uncertain significance. Last evaluated: 2023-03-29. Review status: criteria provided, single submitter. Criteria: ACMG Guidelines, 2015. Collection method: clinical testing. Allele origin: germline.